The following is an entry in ClinVar:

NM_004273.5(CHST3):c.322G>A (p.Glu108Lys)

Gene: CHST3 (carbohydrate sulfotransferase 3; plus strand). Cytogenetic location: 10q22.1.
Variant type: single nucleotide variant.
Coding change: c.322G>A on transcript NM_004273.5 (MANE Select); coding-DNA position 322, G replaced by A.
Protein change: p.Glu108Lys; replaces glutamic acid 108 with lysine.
Molecular consequence: missense variant.
Genome position (GRCh38, 1-based): chr10:72,007,353, G>A. VCF-style: chr10-72007353-G-A. GRCh37 (hg19) VCF-style: chr10-73767111-G-A.
Other names: short protein forms E108K.
Identifiers: ClinVar variation 1965065 (VCV001965065.2), dbSNP rs772881284, ClinGen allele CA5548063.

ClinVar aggregate classification (germline): Uncertain significance (1 of 4 stars; one submission).

Conditions:
Spondyloepiphyseal dysplasia with congenital joint dislocations (SEDCJD). Also called: Chondrodysplasia with Congenital Joint Dislocations, CHST3-Related. Identifiers: Orphanet 263463, MedGen C1837657, MONDO:0007738, OMIM 143095.

Allele frequency attached by ClinVar (database versions not stated): gnomAD exomes below 0.00001; ExAC 0.00001; TOPMed 0.00002.
gnomAD v4.1: 4 of 1,607,944 alleles (0.00025%); highest among the groups gnomAD compares: Non-Finnish European, 0.00025%; no homozygotes.

Submission:

Labcorp Genetics (formerly Invitae), Labcorp
Classification: Uncertain significance for Spondyloepiphyseal dysplasia with congenital joint dislocations. Last evaluated: 2022-03-14. Review status: criteria provided, single submitter. Criteria: Invitae Variant Classification Sherloc (09022015). Collection method: clinical testing. Allele origin: germline.
Comment: This sequence change replaces glutamic acid, which is acidic and polar, with lysine, which is basic and polar, at codon 108 of the CHST3 protein (p.Glu108Lys). The frequency data for this variant in the population databases is considered unreliable, as metrics indicate poor data quality at this position in the gnomAD database. This variant has not been reported in the literature in individuals affected with CHST3-related conditions. Algorithms developed to predict the effect of missense changes on protein structure and function output the following: SIFT: "Tolerated"; PolyPhen-2: "Benign"; Align-GVGD: "Class C0". The lysine amino acid residue is found in multiple mammalian species, which suggests that this missense change does not adversely affect protein function. In summary, the available evidence is currently insufficient to determine the role of this variant in disease. Therefore, it has been classified as a Variant of Uncertain Significance.